The following is an entry in ClinVar:

NM_015915.5(ATL1):c.1323C>G (p.Ile441Met)

Gene: ATL1 (atlastin GTPase 1; plus strand). Cytogenetic location: 14q22.1.
Variant type: single nucleotide variant.
Coding change: c.1323C>G on transcript NM_015915.5 (MANE Select); coding-DNA position 1323, C replaced by G.
Protein change: p.Ile441Met; replaces isoleucine 441 with methionine.
Molecular consequence: missense variant.
Genome position (GRCh38, 1-based): chr14:50,628,234, C>G. VCF-style: chr14-50628234-C-G. GRCh37 (hg19) VCF-style: chr14-51094952-C-G.
Other names: c.1323C>G, p.Ile441Met (NM_001127713.1, NM_181598.4); short protein forms I441M.
Identifiers: ClinVar variation 1516813 (VCV001516813.6), dbSNP rs781364352, ClinGen allele CA389676042.

ClinVar aggregate classification (germline): Uncertain significance (1 of 4 stars; one submission).

Conditions:
Hereditary spastic paraplegia 3A (SPG3A). Also called: SPASTIC PARAPLEGIA 3, AUTOSOMAL DOMINANT; FAMILIAL SPASTIC PARAPLEGIA, AUTOSOMAL DOMINANT, 1; SPG3; STRUMPELL DISEASE; Spastic Paraplegia 3A; Spastic paraplegia 3A, autosomal dominant. Identifiers: Orphanet 100984, MedGen C2931355, MONDO:0008437, OMIM 182600.

gnomAD v4.1: 1 of 1,614,064 alleles (0.000062%); highest among the groups gnomAD compares: African/African-American, 0.0013%; no homozygotes.

Submission:

Labcorp Genetics (formerly Invitae), Labcorp
Classification: Uncertain significance for Hereditary spastic paraplegia 3A. Last evaluated: 2021-09-01. Review status: criteria provided, single submitter. Criteria: Invitae Variant Classification Sherloc (09022015). Collection method: clinical testing. Allele origin: germline.
Comment: This sequence change replaces isoleucine with methionine at codon 441 of the ATL1 protein (p.Ile441Met). The isoleucine residue is highly conserved and there is a small physicochemical difference between isoleucine and methionine. This variant is not present in population databases (ExAC no frequency). This variant has not been reported in the literature in individuals affected with ATL1-related conditions. Algorithms developed to predict the effect of missense changes on protein structure and function are either unavailable or do not agree on the potential impact of this missense change (SIFT: "Deleterious"; PolyPhen-2: "Benign"; Align-GVGD: "Class C0"). In summary, the available evidence is currently insufficient to determine the role of this variant in disease. Therefore, it has been classified as a Variant of Uncertain Significance.